The following is an entry in ClinVar:

ClinVar aggregate classification (germline): Pathogenic. Review status: criteria provided, multiple submitters, no conflicts (2 of 4 stars). 2 submissions from 2 submitters: Pathogenic (2). Last evaluated 2025-10-08.

Submissions (2):

Labcorp Genetics (formerly Invitae), Labcorp
Classification: Pathogenic. Last evaluated: 2025-10-08. Review status: criteria provided, single submitter. Criteria: Invitae Variant Classification Sherloc (09022015). Collection method: clinical testing. Allele origin: germline.
Comment: This sequence change creates a premature translational stop signal (p.Leu70Profs*11) in the AMH gene. It is expected to result in an absent or disrupted protein product. Loss-of-function variants in AMH are known to be pathogenic (PMID: 1483695, 8162013, 8872466, 22797409). This variant is present in population databases (rs769922506, gnomAD 0.04%). This premature translational stop signal has been observed in individual(s) with persistent Müllerian duct syndrome (PMID: 22797409). ClinVar contains an entry for this variant (Variation ID: 372806). For these reasons, this variant has been classified as Pathogenic.

GeneDx
Classification: Pathogenic. Last evaluated: 2024-03-14. Review status: criteria provided, single submitter. Criteria: GeneDx Variant Classification Process June 2021. Collection method: clinical testing. Allele origin: germline. Affected: yes.
Comment: Frameshift variant predicted to result in protein truncation or nonsense mediated decay in a gene for which loss of function is a known mechanism of disease; This variant is associated with the following publications: (PMID: 22797409)

Literature cited by the submitters: PubMed 1483695 (cited by Labcorp Genetics (formerly Invitae), Labcorp); PubMed 8162013 (cited by Labcorp Genetics (formerly Invitae), Labcorp); PubMed 8872466 (cited by Labcorp Genetics (formerly Invitae), Labcorp); PubMed 22797409 (cited by Labcorp Genetics (formerly Invitae), Labcorp).

NM_000479.5(AMH):c.208dup (p.Leu70fs)

Gene: AMH (anti-Mullerian hormone; plus strand). Cytogenetic location: 19p13.3.
Variant type: Duplication.
Coding change: c.208dup on transcript NM_000479.5 (MANE Select); coding-DNA position 208, one base duplicated (C; older notation c.208dupC).
Protein change: p.Leu70fs; shifts the reading frame from leucine 70.
Molecular consequence: frameshift variant.
Genome position (GRCh38, 1-based): chr19:2,249,540, C duplicated; the last of 6 consecutive C bases (chr19:2,249,535-2,249,540); duplicating any one gives the same sequence. VCF-style (leftmost placement, unchanged base first): chr19-2249534-T-TC. GRCh37 (hg19) VCF-style: chr19-2249533-T-TC.
Other names: c.208dupC (NM_000479.3); c.208dup (NM_000479.3); short protein forms L70fs.
Identifiers: ClinVar variation 372806 (VCV000372806.5), dbSNP rs769922506, ClinGen allele CA9062762.